The following is an entry in ClinVar:

ClinVar aggregate classification (germline): Uncertain significance. Review status: criteria provided, multiple submitters, no conflicts (2 of 4 stars). 2 submissions from 2 submitters: Uncertain significance (2). Last evaluated 2024-08-11.

Conditions:
Cardiovascular phenotype. Identifiers: MedGen CN230736.
Noonan syndrome 9 (NS9). Identifiers: Orphanet 648, MedGen C4225282, MONDO:0014691, OMIM 616559.

Submissions (2):

Ambry Genetics
Classification: Uncertain significance for Cardiovascular phenotype. Last evaluated: 2024-08-11. Review status: criteria provided, single submitter. Criteria: Ambry Variant Classification Scheme 2023. Collection method: clinical testing. Allele origin: germline.
Comment: The p.K242N variant (also known as c.726G>T), located in coding exon 6 of the SOS2 gene, results from a G to T substitution at nucleotide position 726. The lysine at codon 242 is replaced by asparagine, an amino acid with similar properties. This amino acid position is conserved. In addition, this alteration is predicted to be tolerated by in silico analysis. Based on the available evidence, the clinical significance of this variant remains unclear.

Labcorp Genetics (formerly Invitae), Labcorp
Classification: Uncertain significance for Noonan syndrome 9. Last evaluated: 2021-12-27. Review status: criteria provided, single submitter. Criteria: Invitae Variant Classification Sherloc (09022015). Collection method: clinical testing. Allele origin: germline.
Comment: In summary, the available evidence is currently insufficient to determine the role of this variant in disease. Therefore, it has been classified as a Variant of Uncertain Significance. Advanced modeling of protein sequence and biophysical properties (such as structural, functional, and spatial information, amino acid conservation, physicochemical variation, residue mobility, and thermodynamic stability) performed at Invitae indicates that this missense variant is not expected to disrupt SOS2 protein function. This variant has not been reported in the literature in individuals affected with SOS2-related conditions. This variant is not present in population databases (gnomAD no frequency). This sequence change replaces lysine, which is basic and polar, with asparagine, which is neutral and polar, at codon 242 of the SOS2 protein (p.Lys242Asn).

NM_006939.4(SOS2):c.726G>T (p.Lys242Asn)

Gene: SOS2 (SOS Ras/Rho guanine nucleotide exchange factor 2; minus strand). Cytogenetic location: 14q21.3.
Variant type: single nucleotide variant.
Coding change: c.726G>T on transcript NM_006939.4 (MANE Select); coding-DNA position 726, G replaced by T.
Protein change: p.Lys242Asn; replaces lysine 242 with asparagine.
Molecular consequence: missense variant.
Genome position (GRCh38, 1-based): chr14:50,182,595, C>A on the plus strand (G>T on the coding strand, the complement: SOS2 is on the minus strand). VCF-style: chr14-50182595-C-A. GRCh37 (hg19) VCF-style: chr14-50649313-C-A.
Other names: c.726G>T, p.Lys242Asn (NM_001411020.1); c.726G>T (NM_006939.2); short protein forms K242N.
Identifiers: ClinVar variation 2419865 (VCV002419865.44), dbSNP rs1376008170, ClinGen allele CA389647889.